The following is an entry in ClinVar:

ClinVar aggregate classification (germline): Uncertain significance (1 of 4 stars; one submission).

Allele frequency attached by ClinVar (database versions not stated): gnomAD 0.00001; gnomAD exomes 0.00001; ExAC 0.00002; TOPMed 0.00002.
gnomAD v4.1: 13 of 1,613,790 alleles (0.00081%); highest among the groups gnomAD compares: Non-Finnish European, 0.001%; no homozygotes.

Submission:

Labcorp Genetics (formerly Invitae), Labcorp
Classification: Uncertain significance. Last evaluated: 2022-08-07. Review status: criteria provided, single submitter. Criteria: Invitae Variant Classification Sherloc (09022015). Collection method: clinical testing. Allele origin: germline.
Comment: This sequence change replaces arginine, which is basic and polar, with tryptophan, which is neutral and slightly polar, at codon 994 of the ERCC6 protein (p.Arg994Trp). This variant is present in population databases (rs745709338, gnomAD 0.004%). This variant has not been reported in the literature in individuals affected with ERCC6-related conditions. Algorithms developed to predict the effect of missense changes on protein structure and function (SIFT, PolyPhen-2, Align-GVGD) all suggest that this variant is likely to be disruptive. Algorithms developed to predict the effect of sequence changes on RNA splicing suggest that this variant may create or strengthen a splice site. In summary, the available evidence is currently insufficient to determine the role of this variant in disease. Therefore, it has been classified as a Variant of Uncertain Significance.

NM_000124.4(ERCC6):c.2980C>T (p.Arg994Trp)

Gene: ERCC6 (ERCC excision repair 6, chromatin remodeling factor; minus strand). Cytogenetic location: 10q11.23.
Variant type: single nucleotide variant.
Coding change: c.2980C>T on transcript NM_000124.4 (MANE Select); coding-DNA position 2980, C replaced by T.
Protein change: p.Arg994Trp; replaces arginine 994 with tryptophan.
Molecular consequence: missense variant.
Genome position (GRCh38, 1-based): chr10:49,471,065, G>A on the plus strand (C>T on the coding strand, the complement: ERCC6 is on the minus strand). VCF-style: chr10-49471065-G-A. GRCh37 (hg19) VCF-style: chr10-50679111-G-A.
Other names: c.2980C>T, p.Arg994Trp (NM_001346440.2); short protein forms R994W.
Identifiers: ClinVar variation 2169108 (VCV002169108.1), dbSNP rs745709338, ClinGen allele CA5495458.